The following is an entry in ClinVar:

ClinVar aggregate classification (germline): Uncertain significance (1 of 4 stars; one submission).

Conditions:
Hereditary sensory and autonomic neuropathy type 6. Also called: HSAN VI; Neuropathy, hereditary sensory and autonomic, type VI. Identifiers: Orphanet 314381, MedGen C3539003, MONDO:0013839, OMIM 614653.
Epidermolysis bullosa simplex 3, localized or generalized intermediate, with BP230 deficiency (EBS3). Also called: Epidermolysis bullosa simplex, autosomal recessive 2; Epidermolysis bullosa simplex due to BP230 deficiency. Identifiers: Orphanet 412181, MedGen C3809470, MONDO:0014180, OMIM 615425.

Allele frequency attached by ClinVar (database versions not stated): ExAC 0.00001; gnomAD 0.00001; gnomAD exomes 0.00001; TOPMed 0.00002.
gnomAD v4.1: 12 of 1,613,750 alleles (0.00074%); highest among the groups gnomAD compares: African/African-American, 0.0027%; no homozygotes.

Submission:

Labcorp Genetics (formerly Invitae), Labcorp
Classification: Uncertain significance for Epidermolysis bullosa simplex 3, localized or generalized intermediate, with BP230 deficiency; Hereditary sensory and autonomic neuropathy type 6. Last evaluated: 2025-04-17. Review status: criteria provided, single submitter. Criteria: Invitae Variant Classification Sherloc (09022015). Collection method: clinical testing. Allele origin: germline.
Comment: The DST gene has multiple clinically relevant transcripts. This variant occurs in alternate transcript NM_015548.4, and corresponds to NM_001723.5:c.*132781G>A in the primary transcript. This sequence change replaces valine, which is neutral and non-polar, with methionine, which is neutral and non-polar, at codon 4494 of the DST protein (p.Val4494Met). This variant is present in population databases (rs772310756, gnomAD 0.003%). This variant has not been reported in the literature in individuals affected with DST-related conditions. Experimental studies and prediction algorithms are not available or were not evaluated, and the functional significance of this variant is currently unknown. In summary, the available evidence is currently insufficient to determine the role of this variant in disease. Therefore, it has been classified as a Variant of Uncertain Significance.

NM_001374736.1(DST):c.21349G>A (p.Val7117Met)

Gene: DST (dystonin; minus strand). Cytogenetic location: 6p12.1.
Variant type: single nucleotide variant.
Coding change: c.21349G>A on transcript NM_001374736.1 (MANE Select); coding-DNA position 21349, G replaced by A.
Protein change: p.Val7117Met; replaces valine 7117 with methionine.
Molecular consequence: missense variant.
Genome position (GRCh38, 1-based): chr6:56,482,736, C>T on the plus strand (G>A on the coding strand, the complement: DST is on the minus strand). VCF-style: chr6-56482736-C-T. GRCh37 (hg19) VCF-style: chr6-56347534-C-T.
Other names: c.14992G>A, p.Val4998Met (NM_001144769.5); c.14578G>A, p.Val4860Met (NM_001144770.2); c.21349G>A, p.Val7117Met (NM_001374722.1); c.20389G>A, p.Val6797Met (NM_001374729.1); c.14131G>A, p.Val4711Met (NM_001374730.1); c.21376G>A, p.Val7126Met (NM_001374734.1); c.14458G>A, p.Val4820Met (NM_001386100.1, NM_183380.4); c.13480G>A, p.Val4494Met (NM_015548.5); short protein forms V4494M, V4711M, V7126M, V4820M, V4860M, V7117M, V4998M, V6797M.
Identifiers: ClinVar variation 1418159 (VCV001418159.5), dbSNP rs772310756, ClinGen allele CA3866529.
Genomic context (GRCh38, chr6:56,482,736, plus strand): 5'-TTTTTACCTGACGCAGGGCTGCTTCTAACCGTGTTTGCTTTGATATAGAAAGTGCACACA[C>T]GGTCTCCCAGCGTGTGCTTAATTCCTGCATCTGGACCTTGACCCAGGAGGAGTCATCCCG-3'
Protein context (NP_001361665.1, residues 7107-7127): MQELSTRWET[Val7117Met]CALSISKQTR